The following is an entry in ClinVar:

NM_002693.3(POLG):c.1088A>G (p.Tyr363Cys)

Gene: POLG (DNA polymerase gamma, catalytic subunit; minus strand). Cytogenetic location: 15q26.1.
Variant type: single nucleotide variant.
Coding change: c.1088A>G on transcript NM_002693.3 (MANE Select); coding-DNA position 1088, A replaced by G.
Protein change: p.Tyr363Cys; replaces tyrosine 363 with cysteine.
Molecular consequence: missense variant.
Genome position (GRCh38, 1-based): chr15:89,328,767, T>C on the plus strand (A>G on the coding strand, the complement: POLG is on the minus strand). VCF-style: chr15-89328767-T-C. GRCh37 (hg19) VCF-style: chr15-89871998-T-C.
Other names: c.1088A>G, p.Tyr363Cys (NM_001126131.2); short protein forms Y363C.
Identifiers: ClinVar variation 3681149 (VCV003681149.2).

ClinVar aggregate classification (germline): Uncertain significance (1 of 4 stars; one submission).

Conditions:
Progressive sclerosing poliodystrophy (MTDPS4A). Also called: ALPERS PROGRESSIVE INFANTILE POLIODYSTROPHY; NEURONAL DEGENERATION OF CHILDHOOD WITH LIVER DISEASE, PROGRESSIVE; Alpers Syndrome; ALPERS DIFFUSE DEGENERATION OF CEREBRAL GRAY MATTER WITH HEPATIC CIRRHOSIS; Alpers-Huttenlocher Syndrome; Mitochondrial DNA depletion syndrome 4A (Alpers type). Identifiers: Orphanet 726, MedGen C0205710, MONDO:0008758, OMIM 203700.

Submission:

Labcorp Genetics (formerly Invitae), Labcorp
Classification: Uncertain significance for Progressive sclerosing poliodystrophy. Last evaluated: 2024-10-31. Review status: criteria provided, single submitter. Criteria: Invitae Variant Classification Sherloc (09022015). Collection method: clinical testing. Allele origin: germline.
Comment: This sequence change replaces tyrosine, which is neutral and polar, with cysteine, which is neutral and slightly polar, at codon 363 of the POLG protein (p.Tyr363Cys). This variant is not present in population databases (gnomAD no frequency). This variant has not been reported in the literature in individuals affected with POLG-related conditions. Invitae Evidence Modeling of protein sequence and biophysical properties (such as structural, functional, and spatial information, amino acid conservation, physicochemical variation, residue mobility, and thermodynamic stability) indicates that this missense variant is expected to disrupt POLG protein function with a positive predictive value of 95%. In summary, the available evidence is currently insufficient to determine the role of this variant in disease. Therefore, it has been classified as a Variant of Uncertain Significance.